The following is an entry in ClinVar:

NC_000015.9:g.(?_73004565)_(73009211_?)del

Gene: BBS4 (Bardet-Biedl syndrome 4; plus strand). Cytogenetic location: 15q24.1.
Variant type: Deletion.
Identifiers: ClinVar variation 1345413 (VCV001345413.5).

ClinVar aggregate classification (germline): Pathogenic (1 of 4 stars; one submission).

Conditions:
Bardet-Biedl syndrome (BBS). Identifiers: Orphanet 110, MedGen C0752166, MONDO:0015229.

Submission:

Labcorp Genetics (formerly Invitae), Labcorp
Classification: Pathogenic for Bardet-Biedl syndrome. Last evaluated: 2023-12-07. Review status: criteria provided, single submitter. Criteria: Invitae Variant Classification Sherloc (09022015). Collection method: clinical testing. Allele origin: germline.
Comment: This variant is a gross deletion of the genomic region encompassing exon(s) 4-6 of the BBS4 gene. This variant would be expected to be in-frame, preserving the integrity of the reading frame. A similar copy number variant has been observed in individuals with Bardet-Biedl syndrome (PMID: 15666242, 20177705, 35318824). For these reasons, this variant has been classified as Pathogenic.

Literature cited by the submitters: PubMed 15666242; PubMed 20177705; PubMed 35318824.